The following is an entry in ClinVar:

NM_002764.4(PRPS1):c.176G>T (p.Gly59Val)

Gene: PRPS1 (phosphoribosyl pyrophosphate synthetase 1; plus strand). Cytogenetic location: Xq22.3.
Variant type: single nucleotide variant.
Coding change: c.176G>T on transcript NM_002764.4 (MANE Select); coding-DNA position 176, G replaced by T.
Protein change: p.Gly59Val; replaces glycine 59 with valine.
Molecular consequence: missense variant. On other transcripts: intron variant (1).
Genome position (GRCh38, 1-based): chrX:107,639,348, G>T. VCF-style: chrX-107639348-G-T. GRCh37 (hg19) VCF-style: chrX-106882578-G-T.
Other names: c.-82-5829G>T (NM_001204402.2); short protein forms G59V.
Identifiers: ClinVar variation 3665888 (VCV003665888.2).

ClinVar aggregate classification (germline): Uncertain significance (1 of 4 stars; one submission).

Conditions:
Charcot-Marie-Tooth Neuropathy X. Identifiers: MedGen CN118851.

Submission:

Labcorp Genetics (formerly Invitae), Labcorp
Classification: Uncertain significance for Charcot-Marie-Tooth Neuropathy X. Last evaluated: 2024-09-26. Review status: criteria provided, single submitter. Criteria: Invitae Variant Classification Sherloc (09022015). Collection method: clinical testing. Allele origin: germline.
Comment: This sequence change replaces glycine, which is neutral and non-polar, with valine, which is neutral and non-polar, at codon 59 of the PRPS1 protein (p.Gly59Val). This variant is not present in population databases (gnomAD no frequency). This variant has not been reported in the literature in individuals affected with PRPS1-related conditions. Invitae Evidence Modeling of protein sequence and biophysical properties (such as structural, functional, and spatial information, amino acid conservation, physicochemical variation, residue mobility, and thermodynamic stability) indicates that this missense variant is not expected to disrupt PRPS1 protein function with a negative predictive value of 80%. In summary, the available evidence is currently insufficient to determine the role of this variant in disease. Therefore, it has been classified as a Variant of Uncertain Significance.